The following is an entry in ClinVar:

ClinVar aggregate classification (germline): Likely benign (1 of 4 stars; one submission).

Conditions:
Oligodontia-cancer predisposition syndrome. Also called: TOOTH AGENESIS-COLORECTAL CANCER SYNDROME. Identifiers: Orphanet 300576, MedGen C1837750, MONDO:0012075, OMIM 608615. Disease mechanism: loss of function.

Allele frequency attached by ClinVar (database versions not stated): gnomAD exomes below 0.00001.
gnomAD v4.1: 5 of 1,612,606 alleles (0.00031%); highest among the groups gnomAD compares: Non-Finnish European, 0.00042%; no homozygotes.

Submission:

Myriad Genetics, Inc.
Classification: Likely benign for Oligodontia-cancer predisposition syndrome. Last evaluated: 2024-06-28. Review status: criteria provided, single submitter. Criteria: Myriad Autosomal Dominant, Autosomal Recessive and X-Linked Classification Criteria (2023). Collection method: clinical testing. Allele origin: unknown.
Comment: This variant is considered likely benign. This variant is intronic and is not expected to impact mRNA splicing.

NM_004655.4(AXIN2):c.956+9C>A

Gene: AXIN2 (axin 2; minus strand). Cytogenetic location: 17q24.1.
Variant type: single nucleotide variant.
Coding change: c.956+9C>A on transcript NM_004655.4 (MANE Select); 9 bases into the intron after coding-DNA position 956, C replaced by A.
Molecular consequence: intron variant.
Genome position (GRCh38, 1-based): chr17:65,549,511, G>T on the plus strand (C>A on the coding strand, the complement: AXIN2 is on the minus strand). VCF-style: chr17-65549511-G-T. GRCh37 (hg19) VCF-style: chr17-63545629-G-T.
Other names: c.956+9C>A (NM_001363813.1).
Identifiers: ClinVar variation 3254310 (VCV003254310.1), dbSNP rs2144537247.
Genomic context (GRCh38, chr17:65,549,511, plus strand): 5'-ATTCTGGCTAAGTGCTCAGGTGGCATCCACTCCCAAGCAAGCCCACGGAAGGGTGGCCAG[G>T]ATACTCACACACTGCTGTCCGTCATGGACATGGAATCATCCGTCAGCGCATCACTGGATA-3'